The following is an entry in ClinVar:

NM_005228.5(EGFR):c.3407C>T (p.Pro1136Leu)

Gene: EGFR (epidermal growth factor receptor; plus strand). Cytogenetic location: 7p11.2.
Variant type: single nucleotide variant.
Coding change: c.3407C>T on transcript NM_005228.5 (MANE Select); coding-DNA position 3407, C replaced by T.
Protein change: p.Pro1136Leu; replaces proline 1136 with leucine.
Molecular consequence: missense variant.
Genome position (GRCh38, 1-based): chr7:55,205,391, C>T. VCF-style: chr7-55205391-C-T. GRCh37 (hg19) VCF-style: chr7-55273084-C-T.
Other names: c.3272C>T, p.Pro1091Leu (NM_001346899.2); c.3248C>T, p.Pro1083Leu (NM_001346900.2); c.2606C>T, p.Pro869Leu (NM_001346941.2); c.3407C>T (NM_005228.3); short protein forms P1091L, P1136L, P1083L, P869L.
Identifiers: ClinVar variation 1400404 (VCV001400404.9), dbSNP rs1445729019, ClinGen allele CA367584549.

ClinVar aggregate classification (germline): Uncertain significance. Review status: criteria provided, multiple submitters, no conflicts (2 of 4 stars). 2 submissions from 2 submitters: Uncertain significance (2). Last evaluated 2024-12-24.

Conditions:
EGFR-related lung cancer (EGFR). Identifiers: MedGen CN130014.
Hereditary cancer-predisposing syndrome. Also called: Hereditary Cancer Syndrome; Hereditary neoplastic syndrome; Tumor predisposition; Neoplastic Syndromes, Hereditary. Identifiers: Orphanet 140162, MedGen C0027672, MeSH D009386, MONDO:0015356.

Allele frequency attached by ClinVar (database versions not stated): gnomAD exomes below 0.00001; TOPMed below 0.00001.
gnomAD v4.1: 1 of 1,614,134 alleles (0.000062%); highest among the groups gnomAD compares: Non-Finnish European, 0.000085%; no homozygotes.

Submissions (2):

Ambry Genetics
Classification: Uncertain significance for Hereditary cancer-predisposing syndrome. Last evaluated: 2024-12-24. Review status: criteria provided, single submitter. Criteria: Ambry Variant Classification Scheme 2023. Collection method: clinical testing. Allele origin: germline.
Comment: The p.P1136L variant (also known as c.3407C>T), located in coding exon 28 of the EGFR gene, results from a C to T substitution at nucleotide position 3407. The proline at codon 1136 is replaced by leucine, an amino acid with similar properties. This amino acid position is highly conserved in available vertebrate species. In addition, the in silico prediction for this alteration is inconclusive. Based on the available evidence, the clinical significance of this variant remains unclear.

Labcorp Genetics (formerly Invitae), Labcorp
Classification: Uncertain significance for EGFR-related lung cancer. Last evaluated: 2023-04-27. Review status: criteria provided, single submitter. Criteria: Invitae Variant Classification Sherloc (09022015). Collection method: clinical testing. Allele origin: germline.
Comment: This sequence change replaces proline, which is neutral and non-polar, with leucine, which is neutral and non-polar, at codon 1136 of the EGFR protein (p.Pro1136Leu). This variant is present in population databases (no rsID available, gnomAD 0.007%). In summary, the available evidence is currently insufficient to determine the role of this variant in disease. Therefore, it has been classified as a Variant of Uncertain Significance. An algorithm developed to predict the effect of missense changes on protein structure and function (PolyPhen-2) suggests that this variant is likely to be disruptive. ClinVar contains an entry for this variant (Variation ID: 1400404). This variant has not been reported in the literature in individuals affected with EGFR-related conditions.